The following is an entry in ClinVar:

NM_020778.5(ALPK3):c.694G>T (p.Ala232Ser)

Gene: ALPK3 (alpha kinase 3; plus strand). Cytogenetic location: 15q25.3.
Variant type: single nucleotide variant.
Coding change: c.694G>T on transcript NM_020778.5 (MANE Select); coding-DNA position 694, G replaced by T.
Protein change: p.Ala232Ser; replaces alanine 232 with serine.
Molecular consequence: missense variant.
Genome position (GRCh38, 1-based): chr15:84,839,973, G>T. VCF-style: chr15-84839973-G-T. GRCh37 (hg19) VCF-style: chr15-85383204-G-T.
Other names: short protein forms A232S.
Identifiers: ClinVar variation 4841953 (VCV004841953.1).

ClinVar aggregate classification (germline): Uncertain significance (1 of 4 stars; one submission).

Conditions:
Cardiovascular phenotype. Identifiers: MedGen CN230736.

gnomAD v4.1: 2 of 1,612,890 alleles (0.00012%); highest among the groups gnomAD compares: Non-Finnish European, 0.000085%; no homozygotes.

Submission:

Ambry Genetics
Classification: Uncertain significance for Cardiovascular phenotype. Last evaluated: 2026-01-02. Review status: criteria provided, single submitter. Criteria: Ambry Variant Classification Scheme 2023. Collection method: clinical testing. Allele origin: germline.
Comment: The p.A434S variant (also known as c.1300G>T), located in coding exon 5 of the ALPK3 gene, results from a G to T substitution at nucleotide position 1300. The alanine at codon 434 is replaced by serine, an amino acid with similar properties. This amino acid position is conserved. In addition, this alteration is predicted to be tolerated by in silico analysis. Based on the available evidence, the clinical significance of this variant remains unclear.